The following is an entry in ClinVar:

NM_001034853.2(RPGR):c.878G>T (p.Arg293Met)

Gene: RPGR (retinitis pigmentosa GTPase regulator; minus strand). Cytogenetic location: Xp11.4.
Variant type: single nucleotide variant.
Coding change: c.878G>T on transcript NM_001034853.2 (MANE Select); coding-DNA position 878, G replaced by T.
Protein change: p.Arg293Met; replaces arginine 293 with methionine.
Molecular consequence: missense variant. On other transcripts: non-coding transcript variant (5).
Genome position (GRCh38, 1-based): chrX:38,304,691, C>A on the plus strand (G>T on the coding strand, the complement: RPGR is on the minus strand). VCF-style: chrX-38304691-C-A. GRCh37 (hg19) VCF-style: chrX-38163944-C-A.
Other names: c.878G>T, p.Arg293Met (NM_000328.3, NM_001367246.1, NM_001367247.1 and 1 more transcripts); c.875G>T, p.Arg292Met (NM_001367245.1, NM_001367249.1, NM_001367250.1); c.908G>T, p.Arg303Met (NM_001367248.1); short protein forms R292M, R293M, R303M.
Identifiers: ClinVar variation 2577271 (VCV002577271.3), dbSNP rs2519846976, ClinGen allele CA412741354.

ClinVar aggregate classification (germline): Uncertain significance. Review status: criteria provided, multiple submitters, no conflicts (2 of 4 stars). 3 submissions from 3 submitters: Uncertain significance (3). Last evaluated 2026-08-27.

Conditions:
Retinal dystrophy. Also called: Inherited retinal dystrophy. Identifiers: Orphanet 71862, MedGen C0854723, MeSH D058499, MONDO:0019118, HP:0000556.
RPGR-related retinopathy. Also called: RPGR retinopathy. Identifiers: MedGen CN305589, MONDO:0100437.

gnomAD v4.1: 2 of 1,201,370 alleles (0.00017%); highest among the groups gnomAD compares: Non-Finnish European, 0.00011%; no homozygotes.

Submissions (3):

Myriad Genetics, Inc.
Classification: Uncertain significance for RPGR-related retinopathy. Last evaluated: 2026-08-27. Review status: criteria provided, single submitter. Criteria: Myriad Autosomal Dominant, Autosomal Recessive and X-Linked Classification Criteria (2023). Collection method: clinical testing. Allele origin: unknown.
Comment: NM_000328.2(RPGR):c.878G>T(R293M) is a missense variant classified as a variant of uncertain significance in the context of X-linked retinal dystrophy, RPGR-related. R293M has been observed in a case with relevant disease (PMID: 34745198). Relevant functional assessments of this variant are not available in the literature. R293M has not been observed in referenced population frequency databases. In summary, there is insufficient evidence to classify NM_000328.2(RPGR):c.878G>T(R293M) as pathogenic or benign. Please note: this variant was assessed in the context of healthy population screening.

Women's Health and Genetics/Laboratory Corporation of America, LabCorp
Classification: Uncertain significance. Last evaluated: 2023-07-27. Review status: criteria provided, single submitter. Criteria: LabCorp Variant Classification Summary - May 2015. Collection method: clinical testing. Allele origin: germline.
Comment: Variant summary: RPGR c.878G>T (p.Arg293Met) results in a non-conservative amino acid change in the encoded protein sequence. Three of five in-silico tools predict a benign effect of the variant on protein function. The variant was absent in 182029 control chromosomes. The available data on variant occurrences in the general population are insufficient to allow any conclusion about variant significance. c.878G>T has been reported in the literature in individuals affected with Retinitis Pigmentosa, X-Linked (Yang_2021). These data do not allow any conclusion about variant significance. To our knowledge, no experimental evidence demonstrating an impact on protein function has been reported. The following publication have been ascertained in the context of this evaluation (PMID: 34745198). No submitters have cited clinical-significance assessments for this variant to ClinVar after 2014. Based on the evidence outlined above, the variant was classified as uncertain significance.

Institute of Human Genetics, Univ. Regensburg, Univ. Regensburg
Classification: Uncertain significance for Retinal dystrophy. Last evaluated: 2021-01-01. Review status: criteria provided, single submitter. Criteria: ACMG Guidelines, 2015. Collection method: clinical testing. Allele origin: germline. Affected: yes.

Literature cited by the submitters: PubMed 34745198 (cited by 3 submitters).